The following is an entry in ClinVar:

ClinVar aggregate classification (germline): Likely benign. Review status: criteria provided, single submitter (1 of 4 stars). 2 submissions from 2 submitters: Likely benign (1). 1 of the submissions does not count toward it. Last evaluated 2024-01-25.

Conditions:
Joubert syndrome 20 (JBTS20). Identifiers: Orphanet 475, MedGen C3554235, MONDO:0013994, OMIM 614970.
Meckel syndrome, type 11 (MKS11). Identifiers: Orphanet 564, MedGen C3809352, MONDO:0014164, OMIM 615397.
TMEM231-related disorder. Also called: TMEM231-related condition.

Allele frequency attached by ClinVar (database versions not stated): gnomAD 0.00001; TOPMed 0.00002.
gnomAD v4.1: 2 of 1,610,062 alleles (0.00012%); highest among the groups gnomAD compares: Non-Finnish European, 0.000085%; no homozygotes.

Submissions (2):

Labcorp Genetics (formerly Invitae), Labcorp
Classification: Likely benign for Joubert syndrome 20; Meckel syndrome, type 11. Last evaluated: 2024-01-25. Review status: criteria provided, single submitter. Criteria: Invitae Variant Classification Sherloc (09022015). Collection method: clinical testing. Allele origin: germline.

PreventionGenetics, part of Exact Sciences
Classification: Likely benign for TMEM231-related condition. Last evaluated: 2019-11-19. Review status: no assertion criteria provided. Collection method: clinical testing. Allele origin: germline. Not counted in ClinVar's aggregate classification.
Comment: This variant is classified as likely benign based on ACMG/AMP sequence variant interpretation guidelines (Richards et al. 2015 PMID: 25741868, with internal and published modifications).

NM_001077418.3(TMEM231):c.771-6C>A

Gene: TMEM231 (transmembrane protein 231; minus strand). Cytogenetic location: 16q23.1.
Variant type: single nucleotide variant.
Coding change: c.771-6C>A on transcript NM_001077418.3 (MANE Select); 6 bases into the intron before coding-DNA position 771, C replaced by A.
Molecular consequence: intron variant.
Genome position (GRCh38, 1-based): chr16:75,540,180, G>T on the plus strand (C>A on the coding strand, the complement: TMEM231 is on the minus strand). VCF-style: chr16-75540180-G-T. GRCh37 (hg19) VCF-style: chr16-75574078-G-T.
Other names: c.930-6C>A (NM_001077416.2).
Identifiers: ClinVar variation 1665494 (VCV001665494.10), dbSNP rs1160382019, ClinGen allele CA623583520.